The following is an entry in ClinVar:

ClinVar aggregate classification (germline): Uncertain significance (1 of 4 stars; one submission).

Conditions:
Hereditary cancer-predisposing syndrome. Also called: Neoplastic Syndromes, Hereditary; Tumor predisposition; Hereditary neoplastic syndrome; Hereditary Cancer Syndrome. Identifiers: Orphanet 140162, MedGen C0027672, MeSH D009386, MONDO:0015356.

Submission:

Ambry Genetics
Classification: Uncertain significance for Hereditary cancer-predisposing syndrome. Last evaluated: 2024-05-25. Review status: criteria provided, single submitter. Criteria: Ambry Variant Classification Scheme 2023. Collection method: clinical testing. Allele origin: germline.
Comment: The p.H1534Q variant (also known as c.4602C>G), located in coding exon 36 of the POLE gene, results from a C to G substitution at nucleotide position 4602. The histidine at codon 1534 is replaced by glutamine, an amino acid with highly similar properties. This amino acid position is conserved. In addition, this alteration is predicted to be tolerated by in silico analysis. Based on the available evidence, the clinical significance of this variant remains unclear.

NM_006231.4(POLE):c.4602C>G (p.His1534Gln)

Gene: POLE (DNA polymerase epsilon, catalytic subunit; minus strand). Cytogenetic location: 12q24.33.
Variant type: single nucleotide variant.
Coding change: c.4602C>G on transcript NM_006231.4 (MANE Select); coding-DNA position 4602, C replaced by G.
Protein change: p.His1534Gln; replaces histidine 1534 with glutamine.
Molecular consequence: missense variant.
Genome position (GRCh38, 1-based): chr12:132,642,946, G>C on the plus strand (C>G on the coding strand, the complement: POLE is on the minus strand). VCF-style: chr12-132642946-G-C. GRCh37 (hg19) VCF-style: chr12-133219532-G-C.
Other names: short protein forms H1534Q.
Identifiers: ClinVar variation 3308426 (VCV003308426.1).